The following is an entry in ClinVar:

NM_181332.3(NLGN4X):c.1777C>T (p.Leu593Phe)

Gene: NLGN4X (neuroligin 4 X-linked; minus strand). Cytogenetic location: Xp22.32.
Variant type: single nucleotide variant.
Coding change: c.1777C>T on transcript NM_181332.3 (MANE Select); coding-DNA position 1777, C replaced by T.
Protein change: p.Leu593Phe; replaces leucine 593 with phenylalanine.
Molecular consequence: missense variant.
Genome position (GRCh38, 1-based): chrX:5,893,491, G>A on the plus strand (C>T on the coding strand, the complement: NLGN4X is on the minus strand). VCF-style: chrX-5893491-G-A. GRCh37 (hg19) VCF-style: chrX-5811532-G-A.
Other names: c.1777C>T, p.Leu593Phe (NM_001282145.2, NM_001282146.2, NM_020742.4); short protein forms L593F.
Identifiers: ClinVar variation 95980 (VCV000095980.37), dbSNP rs3747333, ClinGen allele CA149099.

ClinVar aggregate classification (germline): Benign/Likely benign. Review status: criteria provided, multiple submitters, no conflicts (2 of 4 stars). 10 submissions from 10 submitters: Benign (4); Likely benign (2). 4 of the submissions do not count toward it. Last evaluated 2023-11-28.

Conditions:
Inborn genetic diseases. Identifiers: MedGen C0950123, MeSH D030342.
Autism, susceptibility to, X-linked 2 (AUTSX2). Also called: Autism susceptibility, X-linked 2. Identifiers: MedGen C1845539, MONDO:0010341, OMIM 300495.

Allele frequency attached by ClinVar (database versions not stated): gnomAD exomes 0.00756; 1000 Genomes Project 0.04503; 1000 Genomes Project 30x 0.14506; TOPMed 0.15798.

Submissions (10):

ARUP Laboratories, Molecular Genetics and Genomics, ARUP Laboratories
Classification: Benign. Last evaluated: 2023-11-28. Review status: criteria provided, single submitter. Criteria: ARUP Molecular Germline Variant Investigation Process 2024. Collection method: clinical testing. Allele origin: germline.

Labcorp Genetics (formerly Invitae), Labcorp
Classification: Benign. Last evaluated: 2019-12-31. Review status: criteria provided, single submitter. Criteria: Invitae Variant Classification Sherloc (09022015). Collection method: clinical testing. Allele origin: germline.

Mendelics
Classification: Likely benign for Autism, susceptibility to, X-linked 2. Last evaluated: 2019-05-28. Review status: criteria provided, single submitter. Criteria: Mendelics Assertion Criteria 2017. Collection method: clinical testing. Allele origin: unknown.

Ambry Genetics
Classification: Benign for Inborn genetic diseases. Last evaluated: 2014-12-13. Review status: criteria provided, single submitter. Criteria: Ambry Variant Classification Scheme 2023. Collection method: clinical testing. Allele origin: germline.

Eurofins Ntd Llc (ga)
Classification: Benign. Last evaluated: 2013-10-16. Review status: criteria provided, single submitter. Criteria: EGL Classification Definitions 2015. Collection method: clinical testing. Allele origin: germline. Observed: 43 variant alleles, 22 heterozygotes, 2 homozygotes, 19 hemizygotes.

Breakthrough Genomics
Classification: Likely benign. Review status: criteria provided, single submitter. Criteria: ACMG Guidelines, 2015. Collection method: not provided. Allele origin: germline. Inheritance: X-linked inheritance. Affected: yes.

Clinical Genetics DNA and cytogenetics Diagnostics Lab, Erasmus MC, Erasmus Medical Center
Classification: Benign. Review status: no assertion criteria provided. Collection method: clinical testing. Allele origin: germline. Affected: yes. Study: VKGL Data-share Consensus. Not counted in ClinVar's aggregate classification.

Diagnostic Laboratory, Department of Genetics, University Medical Center Groningen
Classification: Benign. Review status: no assertion criteria provided. Collection method: clinical testing. Allele origin: germline. Affected: yes. Study: VKGL Data-share Consensus. Not counted in ClinVar's aggregate classification.

Genetic Services Laboratory, University of Chicago
Classification: Likely benign for AllHighlyPenetrant. Review status: no assertion criteria provided. Collection method: clinical testing. Allele origin: germline. Inheritance: X-linked inheritance. Not counted in ClinVar's aggregate classification.
Comment: Likely benign based on allele frequency in 1000 Genomes Project or ESP global frequency and its presence in a patient with a rare or unrelated disease phenotype. NOT Sanger confirmed.

Joint Genome Diagnostic Labs from Nijmegen and Maastricht, Radboudumc and MUMC+
Classification: Likely benign. Review status: no assertion criteria provided. Collection method: clinical testing. Allele origin: germline. Affected: yes. Study: VKGL Data-share Consensus. Not counted in ClinVar's aggregate classification.